The following is an entry in ClinVar:

NM_005861.4(STUB1):c.728C>G (p.Pro243Arg)

Genes: JMJD8 (jumonji domain containing 8; minus strand), STUB1 (STIP1 homology and U-box containing protein 1; plus strand). Cytogenetic location: 16p13.3.
Variant type: single nucleotide variant.
Coding change: c.728C>G on transcript NM_005861.4 (MANE Select); coding-DNA position 728, C replaced by G.
Protein change: p.Pro243Arg; replaces proline 243 with arginine.
Molecular consequence: missense variant. On other transcripts: 3 prime UTR variant (5), non-coding transcript variant (3).
Genome position (GRCh38, 1-based): chr16:682,223, C>G. VCF-style: chr16-682223-C-G. GRCh37 (hg19) VCF-style: chr16-732223-C-G.
Other names: c.512C>G, p.Pro171Arg (NM_001293197.2); c.*571G>C (NM_001005920.4, NM_001323919.3, NM_001323920.3); c.*605G>C (NM_001323918.3, NM_001323922.3); short protein forms P171R, P243R.
Identifiers: ClinVar variation 3773797 (VCV003773797.1).

ClinVar aggregate classification (germline): Uncertain significance (1 of 4 stars; one submission).

Conditions:
Cerebellar ataxia. Identifiers: Orphanet 102002, MedGen C0007758, MONDO:0000437.

Submission:

Molecular Genetics, Royal Melbourne Hospital
Classification: Uncertain significance for Cerebellar ataxia. Last evaluated: 2024-08-05. Review status: criteria provided, single submitter. Criteria: ACMG Guidelines, 2015. Collection method: clinical testing. Allele origin: germline. Inheritance: Autosomal dominant inheritance. Affected: yes.
Comment: This sequence change in STUB1 is predicted to replace proline with arginine at codon 243, p.(Pro243Arg). The proline residue is highly conserved (100 vertebrates, Multiz Alignments), and is located in the U-box domain. There is a large physicochemical difference between proline and arginine. This variant is absent from the population database gnomAD v4.1. To our knowledge, this variant is novel and has not been previously reported in the relevant scientific literature or databases. Computational evidence predicts a deleterious effect for the missense substitution (REVEL = 0.71). Another missense variant c.728C>T, p.(Pro243Leu) in the same codon is classified as likely pathogenic for spinocerebellar ataxia (PMID: 28193273, 32713943, 34906452, 36476347; ClinVar: SCV004704501.1). Based on the classification scheme RMH Modified ACMG/AMP Guidelines v1.7.0, this variant is classified as a VARIANT OF UNCERTAIN SIGNIFICANCE. Following criteria are met: PM2_Supporting, PM5, PP3.

Literature cited by the submitters: PubMed 28193273; PubMed 32713943; PubMed 34906452; PubMed 36476347.